The following is an entry in ClinVar:

NM_001267550.2(TTN):c.78326G>A (p.Trp26109Ter)

Genes: TTN-AS1 (TTN antisense RNA 1; plus strand), TTN (titin; minus strand). Cytogenetic location: 2q31.2.
Variant type: single nucleotide variant.
Coding change: c.78326G>A on transcript NM_001267550.2 (MANE Select); coding-DNA position 78326, G replaced by A.
Protein change: p.Trp26109Ter; replaces tryptophan 26109 with a stop codon.
Molecular consequence: nonsense.
Genome position (GRCh38, 1-based): chr2:178,567,806, C>T on the plus strand (G>A on the coding strand, the complement: TTN is on the minus strand). VCF-style: chr2-178567806-C-T. GRCh37 (hg19) VCF-style: chr2-179432533-C-T.
Other names: c.73403G>A, p.Trp24468Ter (NM_001256850.1); c.51131G>A, p.Trp17044Ter (NM_003319.4); c.70622G>A, p.Trp23541Ter (NM_133378.4); c.51506G>A, p.Trp17169Ter (NM_133432.3); c.51707G>A, p.Trp17236Ter (NM_133437.4); c.78326G>A (NM_001267550.1); short protein forms W24468*, W26109*, W17169*, W17236*, W17044*, W23541*.
Identifiers: ClinVar variation 620315 (VCV000620315.13), dbSNP rs1559364892, ClinGen allele CA349603262.

ClinVar aggregate classification (germline): Likely pathogenic. Review status: criteria provided, multiple submitters, no conflicts (2 of 4 stars). 2 submissions from 2 submitters: Likely pathogenic (2). Last evaluated 2025-09-10.

Conditions:
Autosomal recessive limb-girdle muscular dystrophy type 2J (LGMDR10). Also called: Limb-girdle muscular dystrophy, type 2J; MUSCULAR DYSTROPHY, LIMB-GIRDLE, AUTOSOMAL RECESSIVE 10. Identifiers: Orphanet 140922, MedGen C1837342, MONDO:0012127, OMIM 608807.
Dilated cardiomyopathy 1G (CMD1G). Identifiers: Orphanet 154, MedGen C1858763, MONDO:0011400, OMIM 604145.

Submissions (2):

GeneDx
Classification: Likely pathogenic. Last evaluated: 2025-09-10. Review status: criteria provided, single submitter. Criteria: GeneDx Variant Classification Process June 2021. Collection method: clinical testing. Allele origin: germline. Affected: yes.
Comment: Nonsense variant predicted to result in protein truncation or nonsense mediated decay in a gene for which loss of function is a known mechanism of disease; Located in the A-band, a region of TTN for which truncating variants are significantly associated with autosomal dominant cardiomyopathy and also with autosomal recessive skeletal myopathies (PMID: 22335739, 32778822); Not observed at significant frequency in large population cohorts (gnomAD); Has not been previously published as pathogenic or benign to our knowledge; This variant is associated with the following publications: (PMID: 22335739, 32778822)

Labcorp Genetics (formerly Invitae), Labcorp
Classification: Likely pathogenic for Dilated cardiomyopathy 1G; Autosomal recessive limb-girdle muscular dystrophy type 2J. Last evaluated: 2024-04-10. Review status: criteria provided, single submitter. Criteria: Invitae Variant Classification Sherloc (09022015). Collection method: clinical testing. Allele origin: germline.
Comment: This sequence change creates a premature translational stop signal (p.Trp26109*) in the TTN gene. While this is not anticipated to result in nonsense mediated decay, it is expected to create a truncated TTN protein. This variant is not present in population databases (gnomAD no frequency). This variant has not been reported in the literature in individuals affected with TTN-related conditions. ClinVar contains an entry for this variant (Variation ID: 620315). This variant is located in the A band of TTN (PMID: 25589632). Truncating variants in this region are significantly overrepresented in patients affected with dilated cardiomyopathy (PMID: 25589632). Truncating variants in this region have also been reported in individuals affected with autosomal recessive centronuclear myopathy (PMID: 23975875). In summary, the currently available evidence indicates that the variant is pathogenic, but additional data are needed to prove that conclusively. Therefore, this variant has been classified as Likely Pathogenic.

Literature cited by the submitters: PubMed 25589632 (cited by Labcorp Genetics (formerly Invitae), Labcorp); PubMed 23975875 (cited by Labcorp Genetics (formerly Invitae), Labcorp).